The following is an entry in ClinVar:

ClinVar aggregate classification (germline): Uncertain significance (1 of 4 stars; one submission).

Conditions:
Fabry disease. Also called: ALPHA-GALACTOSIDASE A DEFICIENCY; ANDERSON-FABRY DISEASE; CERAMIDE TRIHEXOSIDASE DEFICIENCY; GLA DEFICIENCY; HEREDITARY DYSTOPIC LIPIDOSIS; Angiokeratoma corporis diffusum. Identifiers: Orphanet 324, MedGen C0002986, MONDO:0010526, OMIM 301500, HP:0001071. Disease mechanism: Fabry disease is due to inactivating mutations in the X-linked GLA gene resulting in deficiency of the enzyme Alpha Galactosidase-A., loss of function.

Submission:

Genomenon, Inc
Classification: Uncertain significance for Fabry disease. Last evaluated: 2026-09-08. Review status: criteria provided, single submitter. Criteria: Genomenon Sequence Variant Interpretation Standards - Updated. Collection method: curation. Allele origin: germline. Affected: no.
Comment: GLA p.Asp322Asn (c.964G>A) is a missense variant that changes the amino acid at codon 322 from Aspartic acid to Asparagine. This variant has been reported in the published literature (PMID:32995357;27657681;31036492). It is absent or not present at a significant frequency in gnomAD. In silico models predict that this variant is possibly or probably damaging. In conclusion, we classify GLA p.Asp322Asn (c.964G>A) as a variant of uncertain significance.

Literature cited by the submitters: PubMed 32995357; PubMed 27657681; PubMed 31036492.

NM_000169.3(GLA):c.964G>A (p.Asp322Asn)

Genes: GLA (galactosidase alpha; minus strand), RPL36A-HNRNPH2 (RPL36A-HNRNPH2 readthrough; plus strand). Cytogenetic location: Xq22.1.
Variant type: single nucleotide variant.
Coding change: c.964G>A on transcript NM_000169.3 (MANE Select); coding-DNA position 964, G replaced by A.
Protein change: p.Asp322Asn; replaces aspartic acid 322 with asparagine.
Molecular consequence: missense variant. On other transcripts: non-coding transcript variant (3), intron variant (2).
Genome position (GRCh38, 1-based): chrX:101,398,405, C>T on the plus strand (G>A on the coding strand, the complement: GLA is on the minus strand). VCF-style: chrX-101398405-C-T. GRCh37 (hg19) VCF-style: chrX-100653393-C-T.
Other names: c.1087G>A, p.Asp363Asn (NM_001406747.1); c.964G>A, p.Asp322Asn (NM_001406748.1); c.300+2948C>T (NM_001199973.2); c.177+6583C>T (NM_001199974.2); short protein forms D322N, D363N.
Identifiers: ClinVar variation 4087606 (VCV004087606.2).
Genomic context (GRCh38, chrX:101,398,405, plus strand): 5'-TCTTAAAATATATACTCTTATTTACCTGTCTAAGCTGGTACCCTTGCTTGCCCAAGGGGT[C>T]CTGATTGATGGCAATTACGTCCTTATCCTGAAGGAGAGCTTTGGCTTGAGGGCTGATGTG-3'
Protein context (NP_000160.1, residues 312-332): QDKDVIAINQ[Asp322Asn]PLGKQGYQLR